The following is an entry in ClinVar:

ClinVar aggregate classification (germline): Uncertain significance (1 of 4 stars; one submission).

Submission:

Ambry Genetics
Classification: Uncertain significance. Last evaluated: 2024-11-08. Review status: criteria provided, single submitter. Criteria: Ambry Variant Classification Scheme 2023. Collection method: clinical testing. Allele origin: germline.
Comment: The p.L85V variant (also known as c.253C>G), located in coding exon 1 of the TERF2IP gene, results from a C to G substitution at nucleotide position 253. The leucine at codon 85 is replaced by valine, an amino acid with highly similar properties. This amino acid position is conserved. In addition, this alteration is predicted to be tolerated by in silico analysis. Since supporting evidence is limited at this time, the clinical significance of this alteration remains unclear.

NM_018975.4(TERF2IP):c.253C>G (p.Leu85Val)

Gene: TERF2IP (TERF2 interacting protein; plus strand). Cytogenetic location: 16q23.1.
Variant type: single nucleotide variant.
Coding change: c.253C>G on transcript NM_018975.4 (MANE Select); coding-DNA position 253, C replaced by G.
Protein change: p.Leu85Val; replaces leucine 85 with valine.
Molecular consequence: missense variant. On other transcripts: non-coding transcript variant (1).
Genome position (GRCh38, 1-based): chr16:75,648,135, C>G. VCF-style: chr16-75648135-C-G. GRCh37 (hg19) VCF-style: chr16-75682033-C-G.
Other names: short protein forms L85V.
Identifiers: ClinVar variation 1792797 (VCV001792797.3), dbSNP rs1292241884, ClinGen allele CA396817533.